The following is an entry in ClinVar:

ClinVar aggregate classification (germline): Uncertain significance (1 of 4 stars; one submission).

Submission:

GeneDx
Classification: Uncertain significance. Last evaluated: 2024-06-26. Review status: criteria provided, single submitter. Criteria: GeneDx Variant Classification Process June 2021. Collection method: clinical testing. Allele origin: germline. Affected: yes.
Comment: Not observed in large population cohorts (gnomAD); In silico analysis supports that this missense variant has a deleterious effect on protein structure/function; Has not been previously published as pathogenic or benign to our knowledge

NM_001145809.2(MYH14):c.1777C>T (p.Pro593Ser)

Gene: MYH14 (myosin heavy chain 14; plus strand). Cytogenetic location: 19q13.33.
Variant type: single nucleotide variant.
Coding change: c.1777C>T on transcript NM_001145809.2 (MANE Select); coding-DNA position 1777, C replaced by T.
Protein change: p.Pro593Ser; replaces proline 593 with serine.
Molecular consequence: missense variant.
Genome position (GRCh38, 1-based): chr19:50,250,635, C>T. VCF-style: chr19-50250635-C-T. GRCh37 (hg19) VCF-style: chr19-50753892-C-T.
Other names: c.1777C>T, p.Pro593Ser (NM_001077186.2); c.1753C>T, p.Pro585Ser (NM_024729.4); short protein forms P585S, P593S.
Identifiers: ClinVar variation 3392587 (VCV003392587.1).